The following is an entry in ClinVar:

ClinVar aggregate classification (germline): Uncertain significance (1 of 4 stars; one submission).

Allele frequency attached by ClinVar (database versions not stated): gnomAD exomes below 0.00001; TOPMed below 0.00001; gnomAD 0.00001.
gnomAD v4.1: 2 of 1,614,084 alleles (0.00012%); highest among the groups gnomAD compares: African/African-American, 0.0013%; no homozygotes.

Submission:

GeneDx
Classification: Uncertain significance. Last evaluated: 2023-01-09. Review status: criteria provided, single submitter. Criteria: GeneDx Variant Classification Process June 2021. Collection method: clinical testing. Allele origin: germline. Affected: yes.
Comment: Not observed at significant frequency in large population cohorts (gnomAD); In silico analysis supports that this missense variant does not alter protein structure/function; Has not been previously published as pathogenic or benign to our knowledge

NM_007118.4(TRIO):c.5513G>T (p.Gly1838Val)

Gene: TRIO (trio Rho guanine nucleotide exchange factor; plus strand). Cytogenetic location: 5p15.2.
Variant type: single nucleotide variant.
Coding change: c.5513G>T on transcript NM_007118.4 (MANE Select); coding-DNA position 5513, G replaced by T.
Protein change: p.Gly1838Val; replaces glycine 1838 with valine.
Molecular consequence: missense variant. On other transcripts: non-coding transcript variant (1).
Genome position (GRCh38, 1-based): chr5:14,462,771, G>T. VCF-style: chr5-14462771-G-T. GRCh37 (hg19) VCF-style: chr5-14462880-G-T.
Other names: short protein forms G1838V.
Identifiers: ClinVar variation 2136298 (VCV002136298.1), dbSNP rs1753925973, ClinGen allele CA359230604.